The following is an entry in ClinVar:

ClinVar aggregate classification (germline): Uncertain significance (1 of 4 stars; one submission).

Conditions:
Lymphoproliferative syndrome 1 (LPFS1). Identifiers: Orphanet 238505, Orphanet 538963, MedGen C3552634, MONDO:0013081, OMIM 613011.

Allele frequency attached by ClinVar (database versions not stated): gnomAD 0.00001; TOPMed 0.00002.

Submission:

Labcorp Genetics (formerly Invitae), Labcorp
Classification: Uncertain significance for Lymphoproliferative syndrome 1. Last evaluated: 2022-09-27. Review status: criteria provided, single submitter. Criteria: Invitae Variant Classification Sherloc (09022015). Collection method: clinical testing. Allele origin: germline.
Comment: This sequence change affects codon 353 of the ITK mRNA. It is a 'silent' change, meaning that it does not change the encoded amino acid sequence of the ITK protein. It affects a nucleotide within the consensus splice site. This variant is present in population databases (rs774515901, gnomAD 0.03%). This variant has not been reported in the literature in individuals affected with ITK-related conditions. Algorithms developed to predict the effect of sequence changes on RNA splicing suggest that this variant is not likely to affect RNA splicing. In summary, the available evidence is currently insufficient to determine the role of this variant in disease. Therefore, it has been classified as a Variant of Uncertain Significance.

NM_005546.4(ITK):c.1059C>T (p.Tyr353=)

Gene: ITK (IL2 inducible T cell kinase; plus strand). Cytogenetic location: 5q33.3.
Variant type: single nucleotide variant.
Coding change: c.1059C>T on transcript NM_005546.4 (MANE Select); coding-DNA position 1059, C replaced by T.
Protein change: p.Tyr353=; no amino-acid change (tyrosine 353 retained).
Molecular consequence: synonymous variant.
Genome position (GRCh38, 1-based): chr5:157,241,719, C>T. VCF-style: chr5-157241719-C-T. GRCh37 (hg19) VCF-style: chr5-156668729-C-T.
Identifiers: ClinVar variation 2139272 (VCV002139272.1), dbSNP rs774515901, ClinGen allele CA3532980.